The following is an entry in ClinVar:

NM_001791.4(CDC42):c.557G>A (p.Arg186His)

Gene: CDC42 (cell division cycle 42; plus strand). Cytogenetic location: 1p36.12.
Variant type: single nucleotide variant.
Coding change: c.557G>A on transcript NM_001791.4 (MANE Select); coding-DNA position 557, G replaced by A.
Protein change: p.Arg186His; replaces arginine 186 with histidine.
Molecular consequence: missense variant.
Genome position (GRCh38, 1-based): chr1:22,091,498, G>A. VCF-style: chr1-22091498-G-A. GRCh37 (hg19) VCF-style: chr1-22417991-G-A.
Other names: c.557G>A, p.Arg186His (NM_001039802.2); c.557G>A (NM_001039802.1); short protein forms R186H.
Identifiers: ClinVar variation 1497976 (VCV001497976.8), dbSNP rs756680625, ClinGen allele CA675194.

ClinVar aggregate classification (germline): Uncertain significance. Review status: criteria provided, multiple submitters, no conflicts (2 of 4 stars). 3 submissions from 3 submitters: Uncertain significance (3). Last evaluated 2025-08-27.

Conditions:
Inborn genetic diseases. Identifiers: MedGen C0950123, MeSH D030342.

Allele frequency attached by ClinVar (database versions not stated): TOPMed below 0.00001; ExAC 0.00001; gnomAD 0.00001; gnomAD exomes 0.00001.
gnomAD v4.1: 8 of 1,612,394 alleles (0.0005%); highest among the groups gnomAD compares: East Asian, 0.0045%; no homozygotes.

Submissions (3):

Ambry Genetics
Classification: Uncertain significance for Inborn genetic diseases. Last evaluated: 2025-08-27. Review status: criteria provided, single submitter. Criteria: Ambry Variant Classification Scheme 2023. Collection method: clinical testing. Allele origin: germline.

Labcorp Genetics (formerly Invitae), Labcorp
Classification: Uncertain significance. Last evaluated: 2025-02-27. Review status: criteria provided, single submitter. Criteria: Invitae Variant Classification Sherloc (09022015). Collection method: clinical testing. Allele origin: germline.
Comment: This sequence change replaces arginine, which is basic and polar, with histidine, which is basic and polar, at codon 186 of the CDC42 protein (p.Arg186His). This variant is present in population databases (rs756680625, gnomAD 0.006%). This variant has not been reported in the literature in individuals affected with CDC42-related conditions. ClinVar contains an entry for this variant (Variation ID: 1497976). An algorithm developed to predict the effect of missense changes on protein structure and function (PolyPhen-2) suggests that this variant is likely to be tolerated. This variant disrupts the p.Arg186 amino acid residue in CDC42. Other variant(s) that disrupt this residue have been determined to be pathogenic (PMID: 31601675). This suggests that this residue is clinically significant, and that variants that disrupt this residue are likely to be disease-causing. In summary, the available evidence is currently insufficient to determine the role of this variant in disease. Therefore, it has been classified as a Variant of Uncertain Significance.

AiLife Diagnostics
Classification: Uncertain significance. Last evaluated: 2020-04-29. Review status: criteria provided, single submitter. Criteria: ACMG Guidelines, 2015. Collection method: clinical testing. Allele origin: germline. Affected: yes. Observed: 1 variant allele.

Literature cited by the submitters: PubMed 31601675 (cited by Labcorp Genetics (formerly Invitae), Labcorp).